The following is an entry in ClinVar:

ClinVar aggregate classification (germline): Uncertain significance (1 of 4 stars; one submission).

Conditions:
Anemia, nonspherocytic hemolytic, due to G6PD deficiency (CNSHA1). Also called: Hemolytic anemia due to G6PD deficiency; Class I glucose-6-phosphate dehydrogenase deficiency; Favism, susceptibility to; ANEMIA, CONGENITAL, NONSPHEROCYTIC HEMOLYTIC, 1. Identifiers: Orphanet 466026, MedGen C2720289, MONDO:0010480, OMIM 300908.

Submission:

Labcorp Genetics (formerly Invitae), Labcorp
Classification: Uncertain significance for Anemia, nonspherocytic hemolytic, due to G6PD deficiency. Last evaluated: 2023-09-22. Review status: criteria provided, single submitter. Criteria: Invitae Variant Classification Sherloc (09022015). Collection method: clinical testing. Allele origin: germline.
Comment: This sequence change falls in intron 12 of the G6PD gene. It does not directly change the encoded amino acid sequence of the G6PD protein. This variant is not present in population databases (gnomAD no frequency). This variant has not been reported in the literature in individuals affected with G6PD-related conditions. Experimental studies and prediction algorithms are not available or were not evaluated, and the effect of this variant on mRNA splicing is currently unknown. In summary, the available evidence is currently insufficient to determine the role of this variant in disease. Therefore, it has been classified as a Variant of Uncertain Significance.

NM_001360016.2(G6PD):c.1457+37_1458-10dup

Gene: G6PD (glucose-6-phosphate dehydrogenase; minus strand). Cytogenetic location: Xq28.
Variant type: Duplication.
Coding change: c.1457+37_1458-10dup on transcript NM_001360016.2 (MANE Select); 37 bases into the intron after coding-DNA position 1457 through 10 bases into the intron before coding-DNA position 1458, 52 bases duplicated.
Molecular consequence: intron variant.
Genome position (GRCh38, 1-based): chrX:154,532,100-154,532,151, 52 bases duplicated. GRCh37 (hg19): chrX:153,760,316-153,760,367.
Other names: c.1547+37_1548-10dup (NM_000402.4); c.1457+37_1458-10dup (NM_001042351.3).
Identifiers: ClinVar variation 2992328 (VCV002992328.1), dbSNP rs2070343514, ClinGen allele CA1138582428.